The following is an entry in ClinVar:

ClinVar aggregate classification (germline): Uncertain significance (1 of 4 stars; one submission).

Conditions:
Inborn genetic diseases. Identifiers: MedGen C0950123, MeSH D030342.

Submission:

Ambry Genetics
Classification: Uncertain significance for Inborn genetic diseases. Last evaluated: 2026-06-14. Review status: criteria provided, single submitter. Criteria: Ambry Variant Classification Scheme 2023. Collection method: clinical testing. Allele origin: germline.
Comment: The p.P931Q variant (also known as c.2792C>A), located in coding exon 16 of the RECQL4 gene, results from a C to A substitution at nucleotide position 2792. The proline at codon 931 is replaced by glutamine, an amino acid with similar properties. This amino acid position is conserved. In addition, the in silico prediction for this alteration is inconclusive. Based on the available evidence, the clinical significance of this variant remains unclear.

NM_004260.4(RECQL4):c.2792C>A (p.Pro931Gln)

Gene: RECQL4 (RecQ like helicase 4; minus strand). Cytogenetic location: 8q24.3.
Variant type: single nucleotide variant.
Coding change: c.2792C>A on transcript NM_004260.4 (MANE Select); coding-DNA position 2792, C replaced by A.
Protein change: p.Pro931Gln; replaces proline 931 with glutamine.
Molecular consequence: missense variant. On other transcripts: non-coding transcript variant (3).
Genome position (GRCh38, 1-based): chr8:144,512,735, G>T on the plus strand (C>A on the coding strand, the complement: RECQL4 is on the minus strand). VCF-style: chr8-144512735-G-T. GRCh37 (hg19) VCF-style: chr8-145738118-G-T.
Other names: c.2498C>A, p.Pro833Gln (NM_001413017.1); c.2594C>A, p.Pro865Gln (NM_001413018.1); c.2867C>A, p.Pro956Gln (NM_001413019.1); c.2696C>A, p.Pro899Gln (NM_001413020.1); c.1721C>A, p.Pro574Gln (NM_001413021.1, NM_001413022.1, NM_001413024.1 and 4 more transcripts); c.1796C>A, p.Pro599Gln (NM_001413023.1); c.2663C>A, p.Pro888Gln (NM_001413025.1); c.1655C>A, p.Pro552Gln (NM_001413027.1, NM_001413030.1, NM_001413032.1); and 9 more; short protein forms P442Q, P508Q, P530Q, P552Q, P564Q, P574Q, P577Q, P599Q.
Identifiers: ClinVar variation 4863219 (VCV004863219.1).